The following is an entry in ClinVar:

NM_004036.5(ADCY3):c.3078G>A (p.Thr1026=)

Genes: ADCY3 (adenylate cyclase 3; minus strand), CENPO (centromere protein O; plus strand). Cytogenetic location: 2p23.3.
Variant type: single nucleotide variant.
Coding change: c.3078G>A on transcript NM_004036.5 (MANE Select); coding-DNA position 3078, G replaced by A.
Protein change: p.Thr1026=; no amino-acid change (threonine 1026 retained).
Molecular consequence: synonymous variant. On other transcripts: 3 prime UTR variant (3), non-coding transcript variant (3).
Genome position (GRCh38, 1-based): chr2:24,821,566, C>T on the plus strand (G>A on the coding strand, the complement: ADCY3 is on the minus strand). VCF-style: chr2-24821566-C-T. GRCh37 (hg19) VCF-style: chr2-25044435-C-T.
Other names: c.3081G>A, p.Thr1027= (NM_001320613.2); c.3144G>A, p.Thr1048= (NM_001377128.1); c.2940G>A, p.Thr980= (NM_001377129.1); c.2526G>A, p.Thr842= (NM_001377130.1); c.2355G>A, p.Thr785= (NM_001377131.1); c.3078G>A, p.Thr1026= (NM_001377132.1); c.*2248C>T (NM_001199803.3, NM_001322101.2, NM_024322.4).
Identifiers: ClinVar variation 3031092 (VCV003031092.4), dbSNP rs779611664, ClinGen allele CA1553517.

ClinVar aggregate classification (germline): Likely benign. Review status: criteria provided, single submitter (1 of 4 stars). 2 submissions from 2 submitters: Likely benign (1). 1 of the submissions does not count toward it. Last evaluated 2025-01-13.

Conditions:
ADCY3-related disorder. Also called: ADCY3-related condition.

Allele frequency attached by ClinVar (database versions not stated): gnomAD 0.00003; gnomAD exomes 0.00008; ExAC 0.00017.
gnomAD v4.1: 117 of 1,613,910 alleles (0.0072%); highest among the groups gnomAD compares: South Asian, 0.12%; 3 homozygotes.

Submissions (2):

Labcorp Genetics (formerly Invitae), Labcorp
Classification: Likely benign. Last evaluated: 2025-01-13. Review status: criteria provided, single submitter. Criteria: Invitae Variant Classification Sherloc (09022015). Collection method: clinical testing. Allele origin: germline.

PreventionGenetics, part of Exact Sciences
Classification: Likely benign for ADCY3-related condition. Last evaluated: 2020-12-29. Review status: no assertion criteria provided. Collection method: clinical testing. Allele origin: germline. Not counted in ClinVar's aggregate classification.
Comment: This variant is classified as likely benign based on ACMG/AMP sequence variant interpretation guidelines (Richards et al. 2015 PMID: 25741868, with internal and published modifications).